The following is an entry in ClinVar:

ClinVar aggregate classification (germline): Likely pathogenic (1 of 4 stars; one submission).

Conditions:
Long chain 3-hydroxyacyl-CoA dehydrogenase deficiency. Also called: Deficiency of long-chain 3-hydroxyacyl-coenzyme A dehydrogenase; LCHAD Deficiency. Identifiers: Orphanet 5, MedGen C3711645, MONDO:0012173, OMIM 609016.

Submission:

Natera, Inc.
Classification: Likely pathogenic for Deficiency of long-chain 3-hydroxyacyl-coenzyme A dehydrogenase. Last evaluated: 2024-02-29. Review status: criteria provided, single submitter. Criteria: Natera Variant Classification Schema (03/2026). Collection method: clinical testing. Allele origin: germline.
Comment: The c.729_748delCAACACCTTGATGGCCCTGC variant in HMGCL is a frameshift variant predicted to shift the reading frame beginning at codon 244 and leads to a stop codon 65 codons downstream. This variant is expected to result in nonsense mediated decay, truncation, or a dysfunctional protein product. This variant is rare in the general population with a frequency below the threshold expected for the associated phenotype(s). Given the available evidence, this variant is classified as Likely Pathogenic.

NM_000191.3(HMGCL):c.729_748del (p.Asn244fs)

Gene: HMGCL (3-hydroxy-3-methylglutaryl-CoA lyase; minus strand). Cytogenetic location: 1p36.11.
Variant type: Deletion.
Coding change: c.729_748del on transcript NM_000191.3 (MANE Select); coding-DNA positions 729 to 748, 20 bases deleted (CAACACCTTGATGGCCCTGC).
Protein change: p.Asn244fs; shifts the reading frame from asparagine 244.
Molecular consequence: frameshift variant.
Genome position (GRCh38, 1-based): chr1:23,808,137-23,808,156, GCAGGGCCATCAAGGTGTTG deleted on the plus strand (CAACACCTTGATGGCCCTGC on the coding strand, the reverse complement: HMGCL is on the minus strand); deleting any 20 consecutive bases within chr1:23,808,137-23,808,158 gives the same sequence; the c. name uses the placement nearest the transcript's 3' end. VCF-style (leftmost placement, unchanged base first): chr1-23808136-TGCAGGGCCATCAAGGTGTTG-T. GRCh37 (hg19) VCF-style: chr1-24134626-TGCAGGGCCATCAAGGTGTTG-T.
Other names: c.516_535del, p.Asn173fs (NM_001166059.2); short protein forms N173fs, N244fs.
Identifiers: ClinVar variation 4817883 (VCV004817883.1).
Genomic context (GRCh38, chr1:23,808,136, plus strand): 5'-ATAACAAGCTGTCCTGCCCACCGTGACCTTTGGGAGAATGGGCATATGCTTTTGATTACC[TGCAGGGCCATCAAGGTGTTG>T]GCCAGGGCTTGACCATAGGTGTCATGGCAGTGGACAGCCAGGGCAGCCAGAGGCACTTCC-3'